The following is an entry in ClinVar:

NM_000256.3(MYBPC3):c.1224-61_1224-53dup

Gene: MYBPC3 (myosin binding protein C3; minus strand). Cytogenetic location: 11p11.2.
Variant type: Duplication.
Coding change: c.1224-61_1224-53dup on transcript NM_000256.3 (MANE Select); 61 bases into the intron before coding-DNA position 1224 through 53 bases into the intron before coding-DNA position 1224, 9 bases duplicated (TTTTGTCTC; older notation c.1224-61_1224-53dupTTTTGTCTC).
Molecular consequence: intron variant.
Genome position (GRCh38, 1-based): chr11:47,343,315-47,343,323, GAGACAAAA duplicated on the plus strand (TTTTGTCTC on the coding strand, the reverse complement: MYBPC3 is on the minus strand); duplicating any 9 consecutive bases within chr11:47,343,315-47,343,324 gives the same sequence; the c. name uses the placement nearest the transcript's 3' end. VCF-style (leftmost placement, unchanged base first): chr11-47343314-C-CGAGACAAAA. GRCh37 (hg19) VCF-style: chr11-47364865-C-CGAGACAAAA.
Other names: c.1224-61_1224-53dup9 (NM_000256.3).
Identifiers: ClinVar variation 1171645 (VCV001171645.9), dbSNP rs1565628380, ClinGen allele CA918872353.

ClinVar aggregate classification (germline): Benign. Review status: criteria provided, multiple submitters, no conflicts (2 of 4 stars). 3 submissions from 3 submitters: Benign (2). 1 of the submissions does not count toward it. Last evaluated 2025-12-11.

Conditions:
Cardiomyopathy (CMYO). Also called: Cardiomyopathies. Identifiers: Orphanet 167848, MedGen C0878544, MONDO:0004994, HP:0001638. Inheritance: Various modes of inheritance.
MYBPC3-related disorder. Also called: MYBPC3-related condition; MYBPC3-related disease; MYBPC3-related disorders.

Submissions (3):

Color Diagnostics, LLC DBA Color Health
Classification: Benign for Cardiomyopathy. Last evaluated: 2025-12-11. Review status: criteria provided, single submitter. Criteria: ACMG Guidelines, 2015. Collection method: clinical testing. Allele origin: germline.

CHEO Genetics Diagnostic Laboratory, Children's Hospital of Eastern Ontario
Classification: Benign for Cardiomyopathy. Last evaluated: 2023-05-30. Review status: criteria provided, single submitter. Criteria: ACMG Guidelines, 2015. Collection method: clinical testing. Allele origin: germline.

PreventionGenetics, part of Exact Sciences
Classification: Likely benign for MYBPC3-related condition. Last evaluated: 2024-02-01. Review status: no assertion criteria provided. Collection method: clinical testing. Allele origin: germline. Not counted in ClinVar's aggregate classification.
Comment: This variant is classified as likely benign based on ACMG/AMP sequence variant interpretation guidelines (Richards et al. 2015 PMID: 25741868, with internal and published modifications).